The following is an entry in ClinVar:

NM_006231.4(POLE):c.2710G>T (p.Gly904Cys)

Gene: POLE (DNA polymerase epsilon, catalytic subunit; minus strand). Cytogenetic location: 12q24.33.
Variant type: single nucleotide variant.
Coding change: c.2710G>T on transcript NM_006231.4 (MANE Select); coding-DNA position 2710, G replaced by T.
Protein change: p.Gly904Cys; replaces glycine 904 with cysteine.
Molecular consequence: missense variant.
Genome position (GRCh38, 1-based): chr12:132,661,681, C>A on the plus strand (G>T on the coding strand, the complement: POLE is on the minus strand). VCF-style: chr12-132661681-C-A. GRCh37 (hg19) VCF-style: chr12-133238267-C-A.
Other names: short protein forms G904C.
Identifiers: ClinVar variation 2704662 (VCV002704662.3), dbSNP rs2135949756, ClinGen allele CA387394067.

ClinVar aggregate classification (germline): Uncertain significance (1 of 4 stars; one submission).

Submission:

Labcorp Genetics (formerly Invitae), Labcorp
Classification: Uncertain significance. Last evaluated: 2024-01-21. Review status: criteria provided, single submitter. Criteria: Invitae Variant Classification Sherloc (09022015). Collection method: clinical testing. Allele origin: germline.
Comment: This sequence change replaces glycine, which is neutral and non-polar, with cysteine, which is neutral and slightly polar, at codon 904 of the POLE protein (p.Gly904Cys). This variant is not present in population databases (gnomAD no frequency). This variant has not been reported in the literature in individuals affected with POLE-related conditions. Advanced modeling of protein sequence and biophysical properties (such as structural, functional, and spatial information, amino acid conservation, physicochemical variation, residue mobility, and thermodynamic stability) performed at Invitae indicates that this missense variant is not expected to disrupt POLE protein function with a negative predictive value of 80%. In summary, the available evidence is currently insufficient to determine the role of this variant in disease. Therefore, it has been classified as a Variant of Uncertain Significance.